The following is an entry in ClinVar:

NM_014249.4(NR2E3):c.1215_1216insAA (p.Asp406fs)

Gene: NR2E3 (nuclear receptor subfamily 2 group E member 3; plus strand). Cytogenetic location: 15q23.
Variant type: Insertion.
Coding change: c.1215_1216insAA on transcript NM_014249.4 (MANE Select); coding-DNA positions 1215 to 1216, AA inserted.
Protein change: p.Asp406fs; shifts the reading frame from aspartic acid 406.
Molecular consequence: frameshift variant.
Genome position: GRCh38 VCF-style: chr15-71817666-T-TAA. GRCh37 (hg19) VCF-style: chr15-72110007-T-TAA.
Other names: short protein forms D406fs.
Identifiers: ClinVar variation 3239981 (VCV003239981.2), dbSNP rs2543261057.
Genomic context (GRCh38, chr15:71,817,666, plus strand): 5'-CATCGAGCTCCTCTTTTTCCGCAAGACCATAGGGAATACTCCAATGGAGAAGCTCCTTTG[T>TAA]GATATGTTCAAAAACTAGTGGGGGTGGAGGTGAAATGTTTCCAAGCACTCTGGAAAACAA-3'

ClinVar aggregate classification (germline): Likely pathogenic. Review status: criteria provided, multiple submitters, no conflicts (2 of 4 stars). 2 submissions from 2 submitters: Likely pathogenic (2). Last evaluated 2026-01-02.

Conditions:
Enhanced S-cone syndrome (ESCS). Identifiers: Orphanet 53540, MedGen C1849394, MONDO:0100288, MONDO:0009989.
ENHANCED S-CONE SYNDROME 1 (ESCS1). Also called: RETINOSCHISIS WITH EARLY HEMERALOPIA; FAVRE HYALOIDEORETINAL DEGENERATION. Identifiers: MedGen CN380299, OMIM 268100.

Submissions (2):

Medical Molecular Genetics Department, National Research Center
Classification: Likely pathogenic for ENHANCED S-CONE SYNDROME 1. Last evaluated: 2026-01-02. Review status: criteria provided, single submitter. Criteria: ACMG Guidelines, 2015. Collection method: clinical testing. Allele origin: germline. Affected: yes.
Comment: PVS1, PM2, PP5

Baylor Genetics
Classification: Likely pathogenic for ENHANCED S-CONE SYNDROME 1. Last evaluated: 2024-02-12. Review status: criteria provided, single submitter. Criteria: ACMG Guidelines, 2015. Collection method: clinical testing. Allele origin: unknown.